The following is an entry in ClinVar:

ClinVar aggregate classification (germline): Likely benign (1 of 4 stars; one submission).

Conditions:
Cerebellar-facial-dental syndrome. Also called: Cerebellofaciodental syndrome. Identifiers: Orphanet 444072, MedGen C4015495, MONDO:0014529, OMIM 616202.

Submission:

Centre for Medical Genetics,  Mumbai
Classification: Likely benign for Cerebellar-facial-dental syndrome. Last evaluated: 2026-05-06. Review status: criteria provided, single submitter. Criteria: ACMG Guidelines, 2015. Collection method: provider interpretation. Allele origin: germline. Inheritance: Autosomal recessive inheritance. Affected: no. Observed: 1 variant allele, 1 homozygote.
Comment: The variant satisfies PM2 criteria - extremely low frequency in gnomAD population databases. The variant satisfies BP4 criteria - for a missense or a splice region variant, computational prediction tools unanimously support a benign effect on the gene. However, the variant satisfies BS2 criteria - present in homozygous state in an individual that clinically does not have Cerebellofaciodental syndrome.

Literature cited by the submitters: PubMed 25561519.

NM_001519.4(BRF1):c.741G>T (p.Lys247Asn)

Gene: BRF1 (BRF1 general transcription factor IIIB subunit; minus strand). Cytogenetic location: 14q32.33.
Variant type: single nucleotide variant.
Coding change: c.741G>T on transcript NM_001519.4 (MANE Select); coding-DNA position 741, G replaced by T.
Protein change: p.Lys247Asn; replaces lysine 247 with asparagine.
Molecular consequence: missense variant.
Genome position (GRCh38, 1-based): chr14:105,228,867, C>A on the plus strand (G>T on the coding strand, the complement: BRF1 is on the minus strand). VCF-style: chr14-105228867-C-A. GRCh37 (hg19) VCF-style: chr14-105695204-C-A.
Other names: c.396G>T, p.Lys132Asn (NM_001242786.2, NM_001242787.2); c.660G>T, p.Lys220Asn (NM_001242788.2); c.27G>T, p.Lys9Asn (NM_001242789.2); c.741G>T, p.Lys247Asn (NM_001440449.1); c.591G>T, p.Lys197Asn (NM_001440450.1); c.246G>T, p.Lys82Asn (NM_001440451.1); c.228G>T, p.Lys76Asn (NM_001440452.1, NM_001440453.1); c.78G>T, p.Lys26Asn (NM_001440454.1); and 1 more; short protein forms K132N, K197N, K220N, K247N, K26N, K43N, K76N, K82N.
Identifiers: ClinVar variation 4852291 (VCV004852291.1).